The following is an entry in ClinVar:

NM_001378615.1(CC2D2A):c.2181+3A>G

Genes: CC2D2A (coiled-coil and C2 domain containing 2A; plus strand), FBXL5 (F-box and leucine rich repeat protein 5; minus strand). Cytogenetic location: 4p15.32.
Variant type: single nucleotide variant.
Coding change: c.2181+3A>G on transcript NM_001378615.1 (MANE Select); 3 bases into the intron after coding-DNA position 2181, A replaced by G.
Molecular consequence: intron variant.
Genome position (GRCh38, 1-based): chr4:15,541,017, A>G. VCF-style: chr4-15541017-A-G. GRCh37 (hg19) VCF-style: chr4-15542640-A-G.
Other names: c.2181+3A>G (NM_001080522.2); c.2034+3A>G (NM_001378617.1).
Identifiers: ClinVar variation 853197 (VCV000853197.9), dbSNP rs1718406239, ClinGen allele CA916082296.

ClinVar aggregate classification (germline): Uncertain significance. Review status: criteria provided, multiple submitters, no conflicts (2 of 4 stars). 4 submissions from 4 submitters: Uncertain significance (4). Last evaluated 2025-09-08.

Conditions:
Meckel-Gruber syndrome. Also called: Dysencephalia splachnocystica; DYSENCEPHALIA SPLANCHNOCYSTICA; GRUBER SYNDROME. Identifiers: Orphanet 564, MedGen C0265215, MONDO:0018921.
Joubert syndrome. Also called: JOUBERT-BOLTSHAUSER SYNDROME; Familial aplasia of the vermis. Identifiers: Orphanet 475, MedGen C5979921, MONDO:0018772.
Inborn genetic diseases. Identifiers: MedGen C0950123, MeSH D030342.
CC2D2A-related disorder. Also called: CC2D2A-related condition; CC2D2A-related disorders. Identifiers: MedGen CN239313.

Allele frequency attached by ClinVar (database versions not stated): gnomAD 0.00001; TOPMed 0.00002.
gnomAD v4.1: 1 of 1,535,396 alleles (0.000065%); highest among the groups gnomAD compares: Admixed American, 0.002%; no homozygotes.

Submissions (4):

PreventionGenetics, part of Exact Sciences
Classification: Uncertain significance for CC2D2A-related condition. Last evaluated: 2025-09-08. Review status: criteria provided, single submitter. Criteria: ACMG Guidelines, 2015. Collection method: clinical testing. Allele origin: germline.
Comment: The CC2D2A c.2181+3A>G variant is predicted to interfere with splicing. To our knowledge, this variant has not been reported in the literature or in a large population database (gnomAD), indicating this variant is rare. At this time, the clinical significance of this variant is uncertain due to the absence of conclusive functional and genetic evidence.

Labcorp Genetics (formerly Invitae), Labcorp
Classification: Uncertain significance for Joubert syndrome; Meckel-Gruber syndrome. Last evaluated: 2024-11-05. Review status: criteria provided, single submitter. Criteria: Invitae Variant Classification Sherloc (09022015). Collection method: clinical testing. Allele origin: germline.
Comment: This sequence change falls in intron 18 of the CC2D2A gene. It does not directly change the encoded amino acid sequence of the CC2D2A protein. It affects a nucleotide within the consensus splice site. This variant is not present in population databases (gnomAD no frequency). This variant has not been reported in the literature in individuals affected with CC2D2A-related conditions. ClinVar contains an entry for this variant (Variation ID: 853197). Variants that disrupt the consensus splice site are a relatively common cause of aberrant splicing (PMID: 17576681, 9536098). Algorithms developed to predict the effect of sequence changes on RNA splicing suggest that this variant may disrupt the consensus splice site. In summary, the available evidence is currently insufficient to determine the role of this variant in disease. Therefore, it has been classified as a Variant of Uncertain Significance.

Ambry Genetics
Classification: Uncertain significance for Inborn genetic diseases. Last evaluated: 2024-09-19. Review status: criteria provided, single submitter. Criteria: Ambry Variant Classification Scheme 2023. Collection method: clinical testing. Allele origin: germline.
Comment: The c.2181+3A>G intronic alteration consists of a A to G substitution nucleotides after coding exon 16 in the CC2D2A gene. Based on insufficient or conflicting evidence, the clinical significance of this alteration remains unclear.

GeneDx
Classification: Uncertain significance. Last evaluated: 2024-01-18. Review status: criteria provided, single submitter. Criteria: GeneDx Variant Classification Process June 2021. Collection method: clinical testing. Allele origin: germline. Affected: yes.
Comment: Not observed at significant frequency in large population cohorts (gnomAD); In silico analysis is inconclusive as to whether the variant alters gene splicing. In the absence of RNA/functional studies, the actual effect of this sequence change is unknown.; Has not been previously published as pathogenic or benign to our knowledge

Literature cited by the submitters: PubMed 17576681 (cited by Labcorp Genetics (formerly Invitae), Labcorp); PubMed 9536098 (cited by Labcorp Genetics (formerly Invitae), Labcorp).